The following is an entry in ClinVar:

NM_001903.5(CTNNA1):c.1891A>G (p.Met631Val)

Gene: CTNNA1 (catenin alpha 1; plus strand). Cytogenetic location: 5q31.2.
Variant type: single nucleotide variant.
Coding change: c.1891A>G on transcript NM_001903.5 (MANE Select); coding-DNA position 1891, A replaced by G.
Protein change: p.Met631Val; replaces methionine 631 with valine.
Molecular consequence: missense variant.
Genome position (GRCh38, 1-based): chr5:138,925,399, A>G. VCF-style: chr5-138925399-A-G. GRCh37 (hg19) VCF-style: chr5-138261088-A-G.
Other names: c.1891A>G, p.Met631Val (NM_001290307.3, NM_001323982.2, NM_001323983.1 and 2 more transcripts); c.1582A>G, p.Met528Val (NM_001290309.3); c.1522A>G, p.Met508Val (NM_001290310.3); c.781A>G, p.Met261Val (NM_001290312.1, NM_001323987.1, NM_001323988.1 and 17 more transcripts); c.1798A>G, p.Met600Val (NM_001323986.2); c.688A>G, p.Met230Val (NM_001324011.1); c.538A>G, p.Met180Val (NM_001324012.1, NM_001324013.1); c.442A>G, p.Met148Val (NM_001324006.1, NM_001324007.1, NM_001324008.1 and 2 more transcripts); short protein forms M230V, M508V, M631V, M261V, M528V, M148V, M180V, M600V.
Identifiers: ClinVar variation 2045035 (VCV002045035.4), dbSNP rs1455520969, ClinGen allele CA361132436.

ClinVar aggregate classification (germline): Uncertain significance (1 of 4 stars; one submission).

Allele frequency attached by ClinVar (database versions not stated): gnomAD exomes below 0.00001; TOPMed below 0.00001; gnomAD 0.00001.
gnomAD v4.1: 2 of 1,613,944 alleles (0.00012%); highest among the groups gnomAD compares: Non-Finnish European, 0.00017%; no homozygotes.

Submission:

Labcorp Genetics (formerly Invitae), Labcorp
Classification: Uncertain significance. Last evaluated: 2024-05-21. Review status: criteria provided, single submitter. Criteria: Invitae Variant Classification Sherloc (09022015). Collection method: clinical testing. Allele origin: germline.
Comment: This sequence change replaces methionine, which is neutral and non-polar, with valine, which is neutral and non-polar, at codon 631 of the CTNNA1 protein (p.Met631Val). This variant is not present in population databases (gnomAD no frequency). This variant has not been reported in the literature in individuals affected with CTNNA1-related conditions. ClinVar contains an entry for this variant (Variation ID: 2045035). Advanced modeling of protein sequence and biophysical properties (such as structural, functional, and spatial information, amino acid conservation, physicochemical variation, residue mobility, and thermodynamic stability) performed at Invitae indicates that this missense variant is not expected to disrupt CTNNA1 protein function with a negative predictive value of 80%. In summary, the available evidence is currently insufficient to determine the role of this variant in disease. Therefore, it has been classified as a Variant of Uncertain Significance.